The following is an entry in ClinVar:

NM_018062.4(FANCL):c.1060A>G (p.Ile354Val)

Gene: FANCL (FA complementation group L; minus strand). Cytogenetic location: 2p16.1.
Variant type: single nucleotide variant.
Coding change: c.1060A>G on transcript NM_018062.4 (MANE Select); coding-DNA position 1060, A replaced by G.
Protein change: p.Ile354Val; replaces isoleucine 354 with valine.
Molecular consequence: missense variant.
Genome position (GRCh38, 1-based): chr2:58,160,140, T>C on the plus strand (A>G on the coding strand, the complement: FANCL is on the minus strand). VCF-style: chr2-58160140-T-C. GRCh37 (hg19) VCF-style: chr2-58387275-T-C.
Other names: c.1075A>G, p.Ile359Val (NM_001114636.2); c.1105A>G, p.Ile369Val (NM_001374615.1); c.1120A>G, p.Ile374Val (NM_001410792.1); short protein forms I354V, I359V, I369V, I374V.
Identifiers: ClinVar variation 1915702 (VCV001915702.2), dbSNP rs1684901907, ClinGen allele CA346931099.

ClinVar aggregate classification (germline): Uncertain significance (1 of 4 stars; one submission).

Conditions:
Fanconi anemia (FA). Also called: Fanconi's anemia. Identifiers: Orphanet 84, MedGen C0015625, MeSH D005199, MONDO:0019391.

Allele frequency attached by ClinVar (database versions not stated): TOPMed 0.00001.

Submission:

Labcorp Genetics (formerly Invitae), Labcorp
Classification: Uncertain significance for Fanconi anemia. Last evaluated: 2021-12-23. Review status: criteria provided, single submitter. Criteria: Invitae Variant Classification Sherloc (09022015). Collection method: clinical testing. Allele origin: germline.
Comment: This sequence change replaces isoleucine, which is neutral and non-polar, with valine, which is neutral and non-polar, at codon 354 of the FANCL protein (p.Ile354Val). This variant is not present in population databases (gnomAD no frequency). This variant has not been reported in the literature in individuals affected with FANCL-related conditions. Algorithms developed to predict the effect of missense changes on protein structure and function output the following: SIFT: "Tolerated"; PolyPhen-2: "Benign"; Align-GVGD: "Class C0". The valine amino acid residue is found in multiple mammalian species, which suggests that this missense change does not adversely affect protein function. In summary, the available evidence is currently insufficient to determine the role of this variant in disease. Therefore, it has been classified as a Variant of Uncertain Significance.